The following is an entry in ClinVar:

ClinVar aggregate classification (germline): Likely benign (1 of 4 stars; one submission).

Submission:

CeGaT Center for Human Genetics Tuebingen
Classification: Likely benign. Last evaluated: 2023-01-01. Review status: criteria provided, single submitter. Criteria: CeGaT Center For Human Genetics Tuebingen Variant Classification Criteria Version 2. Collection method: clinical testing. Allele origin: germline. Affected: yes. Observed: 1 variant allele.
Comment: ADAMTS20: PM2:Supporting, BP4, BP7

NM_025003.5(ADAMTS20):c.1300T>C (p.Leu434=)

Gene: ADAMTS20 (ADAM metallopeptidase with thrombospondin type 1 motif 20; minus strand). Cytogenetic location: 12q12.
Variant type: single nucleotide variant.
Coding change: c.1300T>C on transcript NM_025003.5 (MANE Select); coding-DNA position 1300, T replaced by C.
Protein change: p.Leu434=; no amino-acid change (leucine 434 retained).
Molecular consequence: synonymous variant.
Genome position (GRCh38, 1-based): chr12:43,466,719, A>G on the plus strand (T>C on the coding strand, the complement: ADAMTS20 is on the minus strand). VCF-style: chr12-43466719-A-G. GRCh37 (hg19) VCF-style: chr12-43860522-A-G.
Other names: c.1300T>C, p.Leu434= (NM_001077205.1).
Identifiers: ClinVar variation 2642904 (VCV002642904.24), dbSNP rs2498411356, ClinGen allele CA479404559.